The following is an entry in ClinVar:

ClinVar aggregate classification (germline): Benign/Likely benign. Review status: criteria provided, multiple submitters, no conflicts (2 of 4 stars). 5 submissions from 5 submitters: Benign (1); Likely benign (4). Last evaluated 2025-12-28.

Conditions:
AIFM1-related disorder. Also called: AIFM1-related condition.
Combined oxidative phosphorylation deficiency. Identifiers: MedGen C4540031, MONDO:0000732.
Charcot-Marie-Tooth Neuropathy X. Identifiers: MedGen CN118851.
Severe X-linked mitochondrial encephalomyopathy. Also called: ENCEPHALOMYOPATHY, MITOCHONDRIAL, X-LINKED. Identifiers: Orphanet 238329, MedGen C3151753, MONDO:0010437, OMIM 300816.

Allele frequency attached by ClinVar (database versions not stated): ExAC 0.00007; gnomAD exomes 0.00007 and 0.00013; gnomAD 0.00009; TOPMed 0.00011.
gnomAD v4.1: 94 of 1,210,116 alleles (0.0078%); highest among the groups gnomAD compares: African/African-American, 0.0017%; no homozygotes.

Submissions (5):

Labcorp Genetics (formerly Invitae), Labcorp
Classification: Benign for Charcot-Marie-Tooth Neuropathy X; Combined oxidative phosphorylation deficiency. Last evaluated: 2025-12-28. Review status: criteria provided, single submitter. Criteria: Invitae Variant Classification Sherloc (09022015). Collection method: clinical testing. Allele origin: germline.

PreventionGenetics, part of Exact Sciences
Classification: Likely benign for AIFM1-related condition. Last evaluated: 2025-09-10. Review status: criteria provided, single submitter. Criteria: ACMG Guidelines, 2015. Collection method: clinical testing. Allele origin: germline.
Comment: This variant is classified as likely benign based on ACMG/AMP sequence variant interpretation guidelines (Richards et al. 2015 PMID: 25741868, with internal and published modifications).

Blueprint Genetics
Classification: Likely benign. Last evaluated: 2022-10-22. Review status: criteria provided, single submitter. Criteria: ACMG Guidelines, 2015. Collection method: clinical testing. Allele origin: germline.

GeneDx
Classification: Likely benign. Last evaluated: 2019-11-06. Review status: criteria provided, single submitter. Criteria: GeneDx Variant Classification Process June 2021. Collection method: clinical testing. Allele origin: germline. Affected: yes.

Illumina Laboratory Services, Illumina
Classification: Likely benign for Severe X-linked mitochondrial encephalomyopathy. Last evaluated: 2018-01-12. Review status: criteria provided, single submitter. Criteria: ICSL Variant Classification Criteria 13 December 2019. Collection method: clinical testing. Allele origin: germline.
Comment: This variant was observed in the ICSL laboratory as part of a predisposition screen in an ostensibly healthy population. It had not been previously curated by ICSL or reported in the Human Gene Mutation Database (HGMD: prior to June 1st, 2018), and was therefore a candidate for classification through an automated scoring system. Utilizing variant allele frequency, disease prevalence and penetrance estimates, and inheritance mode, an automated score was calculated to assess if this variant is too frequent to cause the disease. Based on the score and internal cut-off values, a variant classified as likely benign is not then subjected to further curation. The score for this variant resulted in a classification of likely benign for this disease.

NM_004208.4(AIFM1):c.366A>G (p.Glu122=)

Genes: AIFM1 (apoptosis inducing factor mitochondria associated 1; minus strand), RAB33A (RAB33A, member RAS oncogene family; plus strand). Cytogenetic location: Xq26.1.
Variant type: single nucleotide variant.
Coding change: c.366A>G on transcript NM_004208.4 (MANE Select); coding-DNA position 366, A replaced by G.
Protein change: p.Glu122=; no amino-acid change (glutamic acid 122 retained).
Molecular consequence: synonymous variant. On other transcripts: non-coding transcript variant (1).
Genome position (GRCh38, 1-based): chrX:130,147,860, T>C on the plus strand (A>G on the coding strand, the complement: AIFM1 is on the minus strand). VCF-style: chrX-130147860-T-C. GRCh37 (hg19) VCF-style: chrX-129281835-T-C.
Other names: c.366A>G, p.Glu122= (NM_001130847.4); c.354A>G, p.Glu118= (NM_145812.3).
Identifiers: ClinVar variation 367891 (VCV000367891.22), dbSNP rs756883753, ClinGen allele CA10515460.